The following is an entry in ClinVar:

NM_002693.3(POLG):c.2845_2847del (p.Phe949del)

Gene: POLG (DNA polymerase gamma, catalytic subunit; minus strand). Cytogenetic location: 15q26.1.
Variant type: Deletion.
Coding change: c.2845_2847del on transcript NM_002693.3 (MANE Select); coding-DNA positions 2845 to 2847, 3 bases deleted (TTC; older notation c.2845_2847delTTC).
Protein change: p.Phe949del; deletes phenylalanine 949.
Molecular consequence: inframe deletion.
Genome position (GRCh38, 1-based): chr15:89,320,900-89,320,902, GAA deleted on the plus strand (TTC on the coding strand, the reverse complement: POLG is on the minus strand); deleting any 3 consecutive bases within chr15:89,320,900-89,320,904 gives the same sequence; the c. name uses the placement nearest the transcript's 3' end. VCF-style (leftmost placement, unchanged base first): chr15-89320899-TGAA-T. GRCh37 (hg19) VCF-style: chr15-89864130-TGAA-T.
Other names: c.2845_2847del, p.Phe949del (NM_001126131.2); short protein forms F949del.
Identifiers: ClinVar variation 619330 (VCV000619330.10), dbSNP rs1567186596, ClinGen allele CA10602244.

ClinVar aggregate classification (germline): Uncertain significance. Review status: criteria provided, multiple submitters, no conflicts (2 of 4 stars). 2 submissions from 2 submitters: Uncertain significance (2). Last evaluated 2024-12-30.

Conditions:
Progressive sclerosing poliodystrophy (MTDPS4A). Also called: Alpers-Huttenlocher Syndrome (AHS); Alpers Syndrome; ALPERS PROGRESSIVE INFANTILE POLIODYSTROPHY; Mitochondrial DNA depletion syndrome 4A (Alpers type); ALPERS DIFFUSE DEGENERATION OF CEREBRAL GRAY MATTER WITH HEPATIC CIRRHOSIS; Alpers-Huttenlocher Syndrome. Identifiers: Orphanet 726, MedGen C0205710, MONDO:0008758, OMIM 203700.

Submissions (2):

Labcorp Genetics (formerly Invitae), Labcorp
Classification: Uncertain significance for Progressive sclerosing poliodystrophy. Last evaluated: 2024-12-30. Review status: criteria provided, single submitter. Criteria: Invitae Variant Classification Sherloc (09022015). Collection method: clinical testing. Allele origin: germline.
Comment: This variant, c.2845_2847del, results in the deletion of 1 amino acid(s) of the POLG protein (p.Phe949del), but otherwise preserves the integrity of the reading frame. This variant is not present in population databases (gnomAD no frequency). This variant has not been reported in the literature in individuals affected with POLG-related conditions. ClinVar contains an entry for this variant (Variation ID: 619330). Experimental studies and prediction algorithms are not available or were not evaluated, and the functional significance of this variant is currently unknown. In summary, the available evidence is currently insufficient to determine the role of this variant in disease. Therefore, it has been classified as a Variant of Uncertain Significance.

Wong Mito Lab, Molecular and Human Genetics, Baylor College of Medicine
Classification: Uncertain significance for Progressive sclerosing poliodystrophy. Last evaluated: 2018-10-01. Review status: criteria provided, single submitter. Criteria: ACMG Guidelines, 2015. Collection method: clinical testing. Allele origin: germline.
Comment: The NM_002693.2:c.2845_2847del (NP_002684.1:p.Phe949del) [GRCH38: NC_000015.10:g.89320902_89320904del] variant in POLG gene is interpretated to be a Uncertain Significance based on ACMG guidelines (PMID: 25741868). This variant meets the following evidence codes reported in the ACMG-guideline. PM1:This variant is in mutational hot spot or a well-studied functional domain without benign variation. PM2:This variant is absent in key population databases. Based on the evidence criteria codes applied, the variant is suggested to be Uncertain Significance.